The following is an entry in ClinVar:

NM_030628.2(INTS5):c.2973C>T (p.Val991=)

Gene: INTS5 (integrator complex subunit 5; minus strand). Cytogenetic location: 11q12.3.
Variant type: single nucleotide variant.
Coding change: c.2973C>T on transcript NM_030628.2 (MANE Select); coding-DNA position 2973, C replaced by T.
Protein change: p.Val991=; no amino-acid change (valine 991 retained).
Molecular consequence: synonymous variant.
Genome position (GRCh38, 1-based): chr11:62,647,107, G>A on the plus strand (C>T on the coding strand, the complement: INTS5 is on the minus strand). VCF-style: chr11-62647107-G-A. GRCh37 (hg19) VCF-style: chr11-62414579-G-A.
Identifiers: ClinVar variation 2641883 (VCV002641883.24), dbSNP rs775806839, ClinGen allele CA6051318.

ClinVar aggregate classification (germline): Likely benign (1 of 4 stars; one submission).

Allele frequency attached by ClinVar (database versions not stated): gnomAD exomes below 0.00001; ExAC 0.00001.
gnomAD v4.1: 8 of 1,614,166 alleles (0.0005%); highest among the groups gnomAD compares: East Asian, 0.0022%; no homozygotes.

Submission:

CeGaT Center for Human Genetics Tuebingen
Classification: Likely benign. Last evaluated: 2022-10-01. Review status: criteria provided, single submitter. Criteria: CeGaT Center For Human Genetics Tuebingen Variant Classification Criteria Version 2. Collection method: clinical testing. Allele origin: germline. Affected: yes. Observed: 1 variant allele.
Comment: INTS5: BP4, BP7